The following is an entry in ClinVar:

ClinVar aggregate classification (germline): Benign. Review status: criteria provided, multiple submitters, no conflicts (2 of 4 stars). 2 submissions from 2 submitters: Benign (2). Last evaluated 2018-01-12.

Conditions:
Nephrotic syndrome, type 3 (NPHS3). Also called: NEPHROTIC SYNDROME, EARLY-ONSET, TYPE 3. Identifiers: Orphanet 656, MedGen C1853124, MONDO:0012546, OMIM 610725.

Allele frequency attached by ClinVar (database versions not stated): gnomAD 0.42139 and 0.41925; 1000 Genomes Project 0.55252.
gnomAD v4.1: 44,572 of 105,918 alleles (42%); highest among the groups gnomAD compares: East Asian, 61%; 7,971 homozygotes.

Submissions (2):

Illumina Laboratory Services, Illumina
Classification: Benign for Nephrotic syndrome, type 3. Last evaluated: 2018-01-12. Review status: criteria provided, single submitter. Criteria: ICSL Variant Classification Criteria 13 December 2019. Collection method: clinical testing. Allele origin: germline.
Comment: This variant was observed in the ICSL laboratory as part of a predisposition screen in an ostensibly healthy population. It had not been previously curated by ICSL or reported in the Human Gene Mutation Database (HGMD: prior to June 1st, 2018), and was therefore a candidate for classification through an automated scoring system. Utilizing variant allele frequency, disease prevalence and penetrance estimates, and inheritance mode, an automated score was calculated to assess if this variant is too frequent to cause the disease. Based on the score and internal cut-off values, a variant classified as benign is not then subjected to further curation. The score for this variant resulted in a classification of benign for this disease.

Breakthrough Genomics
Classification: Benign. Review status: criteria provided, single submitter. Criteria: ACMG Guidelines, 2015. Collection method: not provided. Allele origin: germline. Inheritance: Autosomal recessive inheritance. Affected: yes.

NM_016341.4(PLCE1):c.-558A>G

Gene: PLCE1 (phospholipase C epsilon 1; plus strand). Cytogenetic location: 10q23.33.
Variant type: single nucleotide variant.
Coding change: c.-558A>G on transcript NM_016341.4 (MANE Select); 558 bases upstream of the start codon, A replaced by G.
Molecular consequence: 5 prime UTR variant.
Genome position (GRCh38, 1-based): chr10:93,994,065, A>G. VCF-style: chr10-93994065-A-G. GRCh37 (hg19) VCF-style: chr10-95753822-A-G.
Other names: c.-558A>G (NM_001288989.2).
Identifiers: ClinVar variation 301666 (VCV000301666.6), dbSNP rs2911857, ClinGen allele CA10636933.